The following is an entry in ClinVar:

ClinVar aggregate classification (germline): Uncertain significance. Review status: criteria provided, multiple submitters, no conflicts (2 of 4 stars). 2 submissions from 2 submitters: Uncertain significance (2). Last evaluated 2023-09-17.

Conditions:
Hereditary cancer-predisposing syndrome. Also called: Neoplastic Syndromes, Hereditary; Hereditary Cancer Syndrome; Tumor predisposition; Hereditary neoplastic syndrome. Identifiers: Orphanet 140162, MedGen C0027672, MeSH D009386, MONDO:0015356.

Submissions (2):

Women's Health and Genetics/Laboratory Corporation of America, LabCorp
Classification: Uncertain significance. Last evaluated: 2023-09-17. Review status: criteria provided, single submitter. Criteria: LabCorp Variant Classification Summary - May 2015. Collection method: clinical testing. Allele origin: germline.

Ambry Genetics
Classification: Uncertain significance for Hereditary cancer-predisposing syndrome. Last evaluated: 2023-01-06. Review status: criteria provided, single submitter. Criteria: Ambry Variant Classification Scheme 2023. Collection method: clinical testing. Allele origin: germline.
Comment: The p.G680A variant (also known as c.2039G>C), located in coding exon 12 of the PMS2 gene, results from a G to C substitution at nucleotide position 2039. The glycine at codon 680 is replaced by alanine, an amino acid with similar properties. This amino acid position is conserved. In addition, this alteration is predicted to be deleterious by in silico analysis. Since supporting evidence is limited at this time, the clinical significance of this alteration remains unclear.

NM_000535.7(PMS2):c.2039G>C (p.Gly680Ala)

Gene: PMS2 (PMS1 homolog 2, mismatch repair system component; minus strand). Cytogenetic location: 7p22.1.
Variant type: single nucleotide variant.
Coding change: c.2039G>C on transcript NM_000535.7 (MANE Select); coding-DNA position 2039, G replaced by C.
Protein change: p.Gly680Ala; replaces glycine 680 with alanine.
Molecular consequence: missense variant. On other transcripts: non-coding transcript variant (1), intron variant (4).
Genome position (GRCh38, 1-based): chr7:5,982,959, C>G on the plus strand (G>C on the coding strand, the complement: PMS2 is on the minus strand). VCF-style: chr7-5982959-C-G. GRCh37 (hg19) VCF-style: chr7-6022590-C-G.
Other names: c.2039G>C (NM_000535.6); c.1634G>C, p.Gly545Ala (NM_001018040.1, NM_001322003.2, NM_001322004.2 and 15 more transcripts); c.1883G>C, p.Gly628Ala (NM_001322006.2, NM_001406870.1); c.1721G>C, p.Gly574Ala (NM_001322007.2, NM_001322008.2, NM_001406876.1 and 1 more transcripts); c.1478G>C, p.Gly493Ala (NM_001322010.2, NM_001406906.1, NM_001406907.1); c.1106G>C, p.Gly369Ala (NM_001322011.2, NM_001322012.2); c.1466G>C, p.Gly489Ala (NM_001322013.2, NM_001406909.1); c.2039G>C, p.Gly680Ala (NM_001322014.2, NM_001406871.1); and 17 more; short protein forms G423A, G493A, G509A, G525A, G568A, G624A, G279A, G614A.
Identifiers: ClinVar variation 2447018 (VCV002447018.3), dbSNP rs2128704364, ClinGen allele CA366738128.